The following is an entry in ClinVar:

ClinVar aggregate classification (germline): Uncertain significance (1 of 4 stars; one submission).

Conditions:
Hereditary cancer-predisposing syndrome. Also called: Neoplastic Syndromes, Hereditary; Tumor predisposition; Hereditary neoplastic syndrome; Hereditary Cancer Syndrome. Identifiers: Orphanet 140162, MedGen C0027672, MeSH D009386, MONDO:0015356.

Submission:

Ambry Genetics
Classification: Uncertain significance for Hereditary cancer-predisposing syndrome. Last evaluated: 2026-07-07. Review status: criteria provided, single submitter. Criteria: Ambry Variant Classification Scheme 2023. Collection method: clinical testing. Allele origin: germline.
Comment: The p.E95Q variant (also known as c.283G>C), located in coding exon 3 of the SMARCB1 gene, results from a G to C substitution at nucleotide position 283. The glutamic acid at codon 95 is replaced by glutamine, an amino acid with highly similar properties. This amino acid position is conserved. In addition, this alteration is predicted to be deleterious by in silico analysis. Based on the available evidence, the clinical significance of this variant remains unclear.

NM_003073.5(SMARCB1):c.283G>C (p.Glu95Gln)

Gene: SMARCB1 (SWI/SNF related BAF chromatin remodeling complex subunit B1; plus strand). Cytogenetic location: 22q11.23.
Variant type: single nucleotide variant.
Coding change: c.283G>C on transcript NM_003073.5 (MANE Select); coding-DNA position 283, G replaced by C.
Protein change: p.Glu95Gln; replaces glutamic acid 95 with glutamine.
Molecular consequence: missense variant.
Genome position (GRCh38, 1-based): chr22:23,793,609, G>C. VCF-style: chr22-23793609-G-C. GRCh37 (hg19) VCF-style: chr22-24135796-G-C.
Other names: c.256G>C, p.Glu86Gln (NM_001007468.3, NM_001317946.2); c.283G>C, p.Glu95Gln (NM_001362877.2); short protein forms E86Q, E95Q.
Identifiers: ClinVar variation 5029929 (VCV005029929.1).